The following is an entry in ClinVar:

ClinVar aggregate classification (germline): Uncertain significance. Review status: criteria provided, multiple submitters, no conflicts (2 of 4 stars). 2 submissions from 2 submitters: Uncertain significance (2). Last evaluated 2025-03-17.

Conditions:
Osteogenesis imperfecta type I (OI1). Also called: Lobstein disease; OI, TYPE I; OSTEOGENESIS IMPERFECTA TARDA; OSTEOGENESIS IMPERFECTA WITH BLUE SCLERAE; Osteogenesis imperfecta type 1; Lobstein's Disease. Identifiers: Orphanet 216796, Orphanet 666, MedGen C0023931, MONDO:0008146, OMIM 166200. Disease mechanism: loss of function.

Submissions (2):

Labcorp Genetics (formerly Invitae), Labcorp
Classification: Uncertain significance for Osteogenesis imperfecta type I. Last evaluated: 2025-03-17. Review status: criteria provided, single submitter. Criteria: Invitae Variant Classification Sherloc (09022015). Collection method: clinical testing. Allele origin: germline.
Comment: This sequence change falls in intron 45 of the COL1A1 gene. It does not directly change the encoded amino acid sequence of the COL1A1 protein. It affects a nucleotide within the consensus splice site. This variant is not present in population databases (gnomAD no frequency). This variant has been observed in individual(s) with clinical features of osteogenesis imperfecta (internal data). ClinVar contains an entry for this variant (Variation ID: 1204634). Variants that disrupt the consensus splice site are a relatively common cause of aberrant splicing (PMID: 17576681, 9536098). Algorithms developed to predict the effect of sequence changes on RNA splicing suggest that this variant may disrupt the consensus splice site. In summary, the available evidence is currently insufficient to determine the role of this variant in disease. Therefore, it has been classified as a Variant of Uncertain Significance.

GeneDx
Classification: Uncertain significance. Last evaluated: 2020-06-09. Review status: criteria provided, single submitter. Criteria: GeneDx Variant Classification Process June 2021. Collection method: clinical testing. Allele origin: germline. Affected: yes.
Comment: Not observed in large population cohorts (Lek et al., 2016); In silico analysis supports a deleterious effect on splicing; Has not been previously published as pathogenic or benign to our knowledge

Literature cited by the submitters: PubMed 17576681 (cited by Labcorp Genetics (formerly Invitae), Labcorp); PubMed 9536098 (cited by Labcorp Genetics (formerly Invitae), Labcorp).

NM_000088.4(COL1A1):c.3369+4A>G

Gene: COL1A1 (collagen type I alpha 1 chain; minus strand). Cytogenetic location: 17q21.33.
Variant type: single nucleotide variant.
Coding change: c.3369+4A>G on transcript NM_000088.4 (MANE Select); 4 bases into the intron after coding-DNA position 3369, A replaced by G.
Molecular consequence: intron variant.
Genome position (GRCh38, 1-based): chr17:50,187,872, T>C on the plus strand (A>G on the coding strand, the complement: COL1A1 is on the minus strand). VCF-style: chr17-50187872-T-C. GRCh37 (hg19) VCF-style: chr17-48265233-T-C.
Identifiers: ClinVar variation 1204634 (VCV001204634.6), dbSNP rs2144542173, ClinGen allele CA2499224713.